The following is an entry in ClinVar:

ClinVar aggregate classification (germline): Uncertain significance (0 of 4 stars; one submission).

Conditions:
IFT74-related disorder. Also called: IFT74-related condition; IFT74-Related Disorders.

Submission:

PreventionGenetics, part of Exact Sciences
Classification: Uncertain significance for IFT74-related condition. Last evaluated: 2024-01-31. Review status: no assertion criteria provided. Collection method: clinical testing. Allele origin: germline.
Comment: The IFT74 c.339T>A variant is predicted to result in the amino acid substitution p.Asn113Lys. To our knowledge, this variant has not been reported in the literature or in a large population database, indicating this variant is rare. At this time, the clinical significance of this variant is uncertain due to the absence of conclusive functional and genetic evidence.

NM_025103.4(IFT74):c.339T>A (p.Asn113Lys)

Gene: IFT74 (intraflagellar transport 74; plus strand). Cytogenetic location: 9p21.2.
Variant type: single nucleotide variant.
Coding change: c.339T>A on transcript NM_025103.4 (MANE Select); coding-DNA position 339, T replaced by A.
Protein change: p.Asn113Lys; replaces asparagine 113 with lysine.
Molecular consequence: missense variant.
Genome position (GRCh38, 1-based): chr9:26,984,290, T>A. VCF-style: chr9-26984290-T-A. GRCh37 (hg19) VCF-style: chr9-26984288-T-A.
Other names: c.339T>A, p.Asn113Lys (NM_001099222.3, NM_001099223.3, NM_001099224.3 and 1 more transcripts); short protein forms N113K.
Identifiers: ClinVar variation 3352506 (VCV003352506.1).